The following is an entry in ClinVar:

ClinVar aggregate classification (germline): Likely benign. Review status: criteria provided, multiple submitters, no conflicts (2 of 4 stars). 2 submissions from 2 submitters: Likely benign (2). Last evaluated 2025-10-03.

Conditions:
Familial cancer of breast. Also called: BREAST CANCER, FAMILIAL; hereditary breast carcinoma; Hereditary breast cancer. Identifiers: Orphanet 227535, MedGen C0346153, MONDO:0016419, OMIM 114480. Disease mechanism: loss of function.
Ataxia-telangiectasia syndrome (AT). Also called: LOUIS-BAR SYNDROME; Cerebello-oculocutaneous telangiectasia; Immunodeficiency with ataxia telangiectasia; AT, COMPLEMENTATION GROUP C; Ataxia-telangiectasia, complementation group D; ATAXIA-TELANGIECTASIA, COMPLEMENTATION GROUP A. Identifiers: Orphanet 100, MedGen C0004135, MONDO:0008840, OMIM 208900.

Allele frequency attached by ClinVar (database versions not stated): gnomAD exomes 0.00001.
gnomAD v4.1: 9 of 1,610,982 alleles (0.00056%); highest among the groups gnomAD compares: Non-Finnish European, 0.00076%; no homozygotes.

Submissions (2):

Labcorp Genetics (formerly Invitae), Labcorp
Classification: Likely benign for Ataxia-telangiectasia syndrome. Last evaluated: 2025-10-03. Review status: criteria provided, single submitter. Criteria: Invitae Variant Classification Sherloc (09022015). Collection method: clinical testing. Allele origin: germline.

Myriad Genetics, Inc.
Classification: Likely benign for Familial cancer of breast. Last evaluated: 2024-05-15. Review status: criteria provided, single submitter. Criteria: Myriad Autosomal Dominant, Autosomal Recessive and X-Linked Classification Criteria (2023). Collection method: clinical testing. Allele origin: unknown.
Comment: This variant is considered likely benign. This variant is intronic and is not expected to impact mRNA splicing.

NM_000051.4(ATM):c.3577-17C>T

Gene: ATM (ATM serine/threonine kinase; plus strand). Cytogenetic location: 11q22.3.
Variant type: single nucleotide variant.
Coding change: c.3577-17C>T on transcript NM_000051.4 (MANE Select); 17 bases into the intron before coding-DNA position 3577, C replaced by T.
Molecular consequence: intron variant.
Genome position (GRCh38, 1-based): chr11:108,282,693, C>T. VCF-style: chr11-108282693-C-T. GRCh37 (hg19) VCF-style: chr11-108153420-C-T.
Other names: c.3577-17C>T (NM_001351834.2).
Identifiers: ClinVar variation 3254053 (VCV003254053.2), dbSNP rs2546878545.